The following is an entry in ClinVar:

ClinVar aggregate classification (germline): Uncertain significance. Review status: criteria provided, multiple submitters, no conflicts (2 of 4 stars). 3 submissions from 3 submitters: Uncertain significance (3). Last evaluated 2025-11-04.

Conditions:
TTN-related disorder. Also called: TTN-related disorders; TTN-related condition; TTN-related disease.
Autosomal recessive limb-girdle muscular dystrophy type 2J (LGMDR10). Also called: Limb-girdle muscular dystrophy, type 2J; MUSCULAR DYSTROPHY, LIMB-GIRDLE, AUTOSOMAL RECESSIVE 10. Identifiers: Orphanet 140922, MedGen C1837342, MONDO:0012127, OMIM 608807.
Dilated cardiomyopathy 1G (CMD1G). Identifiers: Orphanet 154, MedGen C1858763, MONDO:0011400, OMIM 604145.

Allele frequency attached by ClinVar (database versions not stated): ExAC 0.00003; gnomAD exomes 0.00003; gnomAD 0.00005 and 0.00006; TOPMed 0.00005.

Submissions (3):

Women's Health and Genetics/Laboratory Corporation of America, LabCorp
Classification: Uncertain significance. Last evaluated: 2025-11-04. Review status: criteria provided, single submitter. Criteria: LabCorp Variant Classification Summary - May 2015. Collection method: clinical testing. Allele origin: germline.

PreventionGenetics, part of Exact Sciences
Classification: Uncertain significance for TTN-related condition. Last evaluated: 2022-11-07. Review status: criteria provided, single submitter. Criteria: ACMG Guidelines, 2015. Collection method: clinical testing. Allele origin: germline.
Comment: The TTN c.32161G>A variant is predicted to result in the amino acid substitution p.Ala10721Thr. To our knowledge, this variant has not been reported in the literature. This variant is reported in 0.012% of alleles in individuals of African descent in gnomAD. At this time, the clinical significance of this variant is uncertain due to the absence of conclusive functional and genetic evidence.

Labcorp Genetics (formerly Invitae), Labcorp
Classification: Uncertain significance for Dilated cardiomyopathy 1G; Autosomal recessive limb-girdle muscular dystrophy type 2J. Last evaluated: 2017-12-04. Review status: criteria provided, single submitter. Criteria: Invitae Variant Classification Sherloc (09022015). Collection method: clinical testing. Allele origin: germline.

NM_001267550.2(TTN):c.32161G>A (p.Ala10721Thr)

Gene: TTN (titin; minus strand). Cytogenetic location: 2q31.2.
Variant type: single nucleotide variant.
Coding change: c.32161G>A on transcript NM_001267550.2 (MANE Select); coding-DNA position 32161, G replaced by A.
Protein change: p.Ala10721Thr; replaces alanine 10721 with threonine.
Molecular consequence: missense variant. On other transcripts: intron variant (3).
Genome position (GRCh38, 1-based): chr2:178,688,713, C>T on the plus strand (G>A on the coding strand, the complement: TTN is on the minus strand). VCF-style: chr2-178688713-C-T. GRCh37 (hg19) VCF-style: chr2-179553440-C-T.
Other names: c.13859-46396G>A (NM_133437.4); c.13658-46396G>A (NM_133432.3); c.31210G>A, p.Ala10404Thr (NM_001256850.1); c.28429G>A, p.Ala9477Thr (NM_133378.4); c.13283-46396G>A (NM_003319.4); short protein forms A10721T, A10404T, A9477T.
Identifiers: ClinVar variation 535599 (VCV000535599.5), dbSNP rs753365187, ClinGen allele CA1998715.